The following is an entry in ClinVar:

ClinVar aggregate classification (germline): Uncertain significance (1 of 4 stars; one submission).

Conditions:
Congenital myasthenic syndrome 8. Also called: Myasthenic syndrome, congenital, 8, with pre- and postsynaptic defects; MYASTHENIC SYNDROME, CONGENITAL, DUE TO AGRIN DEFICIENCY. Identifiers: Orphanet 590, MedGen C3808739, MONDO:0014052, OMIM 615120.

Allele frequency attached by ClinVar (database versions not stated): TOPMed below 0.00001; ExAC 0.00001; gnomAD exomes 0.00001.
gnomAD v4.1: 13 of 1,612,918 alleles (0.00081%); highest among the groups gnomAD compares: Admixed American, 0.0033%; no homozygotes.

Submission:

Labcorp Genetics (formerly Invitae), Labcorp
Classification: Uncertain significance for Congenital myasthenic syndrome 8. Last evaluated: 2023-12-19. Review status: criteria provided, single submitter. Criteria: Invitae Variant Classification Sherloc (09022015). Collection method: clinical testing. Allele origin: germline.
Comment: This sequence change replaces alanine, which is neutral and non-polar, with threonine, which is neutral and polar, at codon 1663 of the AGRN protein (p.Ala1663Thr). This variant is present in population databases (rs780295605, gnomAD 0.006%). This variant has not been reported in the literature in individuals affected with AGRN-related conditions. An algorithm developed to predict the effect of missense changes on protein structure and function (PolyPhen-2) suggests that this variant is likely to be tolerated. In summary, the available evidence is currently insufficient to determine the role of this variant in disease. Therefore, it has been classified as a Variant of Uncertain Significance.

NM_198576.4(AGRN):c.4987G>A (p.Ala1663Thr)

Gene: AGRN (agrin; plus strand). Cytogenetic location: 1p36.33.
Variant type: single nucleotide variant.
Coding change: c.4987G>A on transcript NM_198576.4 (MANE Select); coding-DNA position 4987, G replaced by A.
Protein change: p.Ala1663Thr; replaces alanine 1663 with threonine.
Molecular consequence: missense variant.
Genome position (GRCh38, 1-based): chr1:1,050,437, G>A. VCF-style: chr1-1050437-G-A. GRCh37 (hg19) VCF-style: chr1-985817-G-A.
Other names: c.4987G>A, p.Ala1663Thr (NM_001305275.2); c.4672G>A, p.Ala1558Thr (NM_001364727.2); short protein forms A1558T, A1663T.
Identifiers: ClinVar variation 2979308 (VCV002979308.3), dbSNP rs780295605, ClinGen allele CA509815.